The following is an entry in ClinVar:

ClinVar aggregate classification (germline): Likely pathogenic (1 of 4 stars; one submission).

Conditions:
Acromesomelic dysplasia 4. Identifiers: MedGen C5562028, MONDO:0030553, OMIM 619636.

Submission:

Laboratory of Functional Genomics, Research Centre for Medical Genetics
Classification: Likely pathogenic for Acromesomelic dysplasia 4. Last evaluated: 2024-04-03. Review status: criteria provided, single submitter. Criteria: ACMG Guidelines, 2015. Collection method: clinical testing. Allele origin: maternal. Inheritance: Autosomal recessive inheritance. Affected: yes. Observed: 1 compound heterozygote.
Comment: The c.1074del variant was inherited from the mather. RT-PCR analysis performed on the mather's fibroblasts revealed that c.1074del leads to the activation of the NMD mechanism, as a result of which transcripts containing this variant are actively degraded. The remaining 8% of transcripts with the c.1074del variant contain a premature stop codon p.(Ala359Leufs*24), leading to a truncation of the protein by 381 amino acids. According to ACMG 2015 criteria (PM2, PS3) we classified this variant as Likely Pathogenic.

NM_006259.3(PRKG2):c.1074del (p.Ala359fs)

Gene: PRKG2 (protein kinase cGMP-dependent 2; minus strand). Cytogenetic location: 4q21.21.
Variant type: Deletion.
Coding change: c.1074del on transcript NM_006259.3 (MANE Select); coding-DNA position 1074, one base deleted (A; older notation c.1074delA).
Protein change: p.Ala359fs; shifts the reading frame from alanine 359.
Molecular consequence: frameshift variant. On other transcripts: 5 prime UTR variant (4).
Genome position (GRCh38, 1-based): chr4:81,151,971, T deleted on the plus strand (A on the coding strand, the reverse complement: PRKG2 is on the minus strand); the first of 5 consecutive T bases (chr4:81,151,971-81,151,975); deleting any one gives the same sequence. VCF-style (leftmost placement, unchanged base first): chr4-81151970-CT-C. GRCh37 (hg19) VCF-style: chr4-82073124-CT-C.
Other names: chr4:81151970CT>C; c.-187del (NM_001282480.1, NM_001282481.1, NM_001282482.1); c.-344del (NM_001282483.1); c.1074del, p.Ala359fs (NM_001282485.2, NM_001363401.2); short protein forms A359fs.
Identifiers: ClinVar variation 4537385 (VCV004537385.1).